The following is an entry in ClinVar:

ClinVar aggregate classification (germline): Pathogenic (1 of 4 stars; one submission).

Conditions:
Primary ciliary dyskinesia 9. Also called: CILIARY DYSKINESIA, PRIMARY, 9, WITH OR WITHOUT SITUS INVERSUS. Identifiers: Orphanet 244, MedGen C2676235, MONDO:0012906, OMIM 612444.

Submission:

Myriad Genetics, Inc.
Classification: Pathogenic for Primary ciliary dyskinesia 9. Last evaluated: 2024-05-14. Review status: criteria provided, single submitter. Criteria: Myriad Autosomal Dominant, Autosomal Recessive and X-Linked Classification Criteria (2023). Collection method: clinical testing. Allele origin: unknown.
Comment: NM_023036.4(DNAI2):c.1401_1402ins16(A468Tfs*30) is expected to be pathogenic in the context of primary ciliary dyskinesia, DNAI2-related. This variant is predicted to lead to an abnormal or absent protein product due to the creation of a premature termination codon in DNAI2, a gene where loss-of-function variants are known to be pathogenic. Please note: this variant was assessed in the context of healthy population screening.

NM_023036.6(DNAI2):c.1401_1402insACACACCTATTGAAGG (p.Ala468fs)

Gene: DNAI2 (dynein axonemal intermediate chain 2; plus strand). Cytogenetic location: 17q25.1.
Variant type: Insertion.
Coding change: c.1401_1402insACACACCTATTGAAGG on transcript NM_023036.6 (MANE Select); coding-DNA positions 1401 to 1402, ACACACCTATTGAAGG inserted.
Protein change: p.Ala468fs; shifts the reading frame from alanine 468.
Molecular consequence: frameshift variant. On other transcripts: non-coding transcript variant (1).
Genome position: GRCh38 VCF-style: chr17-74310070-C-CACACACCTATTGAAGG. GRCh37 (hg19) VCF-style: chr17-72306209-C-CACACACCTATTGAAGG.
Other names: c.1365_1366insACACACCTATTGAAGG, p.Ala456fs (NM_001172810.3); c.1401_1402insACACACCTATTGAAGG, p.Ala468fs (NM_001353167.2); short protein forms A456fs, A468fs.
Identifiers: ClinVar variation 5010967 (VCV005010967.1).
Genomic context (GRCh38, chr17:74,310,070, plus strand): 5'-TCAATAGGTGTGTGACGAGGCCCTCTTCTGCCTCCGGGTGCAGGACAATGGGTGTCTCAT[C>CACACACCTATTGAAGG]GCCTGCGGCTCCCAGCTGGGGACAACCACCCTGCTGGAGGTCTCGCCTGGGCTCTCTACC-3'